The following is an entry in ClinVar:

ClinVar aggregate classification (germline): Uncertain significance. Review status: criteria provided, multiple submitters, no conflicts (2 of 4 stars). 2 submissions from 2 submitters: Uncertain significance (2). Last evaluated 2022-01-18.

Conditions:
Vici syndrome (VICIS). Identifiers: Orphanet 1493, MedGen C1855772, MONDO:0009452, OMIM 242840.

Allele frequency attached by ClinVar (database versions not stated): gnomAD exomes 0.00002 and 0.00003; gnomAD 0.00003; TOPMed 0.00003; ExAC 0.00004.
gnomAD v4.1: 46 of 1,554,532 alleles (0.003%); highest among the groups gnomAD compares: Middle Eastern, 0.017%; no homozygotes.

Submissions (2):

Labcorp Genetics (formerly Invitae), Labcorp
Classification: Uncertain significance for Vici syndrome. Last evaluated: 2022-01-18. Review status: criteria provided, single submitter. Criteria: Invitae Variant Classification Sherloc (09022015). Collection method: clinical testing. Allele origin: germline.
Comment: This sequence change replaces glycine, which is neutral and non-polar, with aspartic acid, which is acidic and polar, at codon 1708 of the EPG5 protein (p.Gly1708Asp). This variant is present in population databases (rs750664406, gnomAD 0.005%). This variant has not been reported in the literature in individuals affected with EPG5-related conditions. ClinVar contains an entry for this variant (Variation ID: 1003033). Algorithms developed to predict the effect of missense changes on protein structure and function output the following: SIFT: "Tolerated"; PolyPhen-2: "Probably Damaging"; Align-GVGD: "Class C0". The aspartic acid amino acid residue is found in multiple mammalian species, which suggests that this missense change does not adversely affect protein function. In summary, the available evidence is currently insufficient to determine the role of this variant in disease. Therefore, it has been classified as a Variant of Uncertain Significance.

Revvity Omics, Revvity
Classification: Uncertain significance for Vici syndrome. Last evaluated: 2021-12-22. Review status: criteria provided, single submitter. Criteria: ACMG Guidelines, 2015. Collection method: clinical testing. Allele origin: germline.

NM_020964.3(EPG5):c.5123G>A (p.Gly1708Asp)

Gene: EPG5 (ectopic P-granules 5 autophagy tethering factor; minus strand). Cytogenetic location: 18q12.3.
Variant type: single nucleotide variant.
Coding change: c.5123G>A on transcript NM_020964.3 (MANE Select); coding-DNA position 5123, G replaced by A.
Protein change: p.Gly1708Asp; replaces glycine 1708 with aspartic acid.
Molecular consequence: missense variant.
Genome position (GRCh38, 1-based): chr18:45,884,798, C>T on the plus strand (G>A on the coding strand, the complement: EPG5 is on the minus strand). VCF-style: chr18-45884798-C-T. GRCh37 (hg19) VCF-style: chr18-43464763-C-T.
Other names: short protein forms G1708D.
Identifiers: ClinVar variation 1003033 (VCV001003033.11), dbSNP rs750664406, ClinGen allele CA8948658.